The following is an entry in ClinVar:

NM_000587.4(C7):c.1825C>A (p.Pro609Thr)

Gene: C7 (complement C7; plus strand). Cytogenetic location: 5p13.1.
Variant type: single nucleotide variant.
Coding change: c.1825C>A on transcript NM_000587.4 (MANE Select); coding-DNA position 1825, C replaced by A.
Protein change: p.Pro609Thr; replaces proline 609 with threonine.
Molecular consequence: missense variant.
Genome position (GRCh38, 1-based): chr5:40,964,816, C>A. VCF-style: chr5-40964816-C-A. GRCh37 (hg19) VCF-style: chr5-40964918-C-A.
Other names: short protein forms P609T.
Identifiers: ClinVar variation 2130184 (VCV002130184.4), dbSNP rs1319662771, ClinGen allele CA359591102.

ClinVar aggregate classification (germline): Uncertain significance (1 of 4 stars; one submission).

Submission:

Labcorp Genetics (formerly Invitae), Labcorp
Classification: Uncertain significance. Last evaluated: 2023-10-03. Review status: criteria provided, single submitter. Criteria: Invitae Variant Classification Sherloc (09022015). Collection method: clinical testing. Allele origin: germline.
Comment: This sequence change replaces proline, which is neutral and non-polar, with threonine, which is neutral and polar, at codon 609 of the C7 protein (p.Pro609Thr). This variant is not present in population databases (gnomAD no frequency). This variant has not been reported in the literature in individuals affected with C7-related conditions. ClinVar contains an entry for this variant (Variation ID: 2130184). Advanced modeling of protein sequence and biophysical properties (such as structural, functional, and spatial information, amino acid conservation, physicochemical variation, residue mobility, and thermodynamic stability) performed at Invitae indicates that this missense variant is not expected to disrupt C7 protein function. In summary, the available evidence is currently insufficient to determine the role of this variant in disease. Therefore, it has been classified as a Variant of Uncertain Significance.